The following is an entry in ClinVar:

ClinVar aggregate classification (germline): Uncertain significance. Review status: criteria provided, multiple submitters, no conflicts (2 of 4 stars). 2 submissions from 2 submitters: Uncertain significance (2). Last evaluated 2026-07-07.

Conditions:
Combined immunodeficiency due to DOCK8 deficiency (HIES2). Also called: HYPER-IgE RECURRENT INFECTION SYNDROME 2, AUTOSOMAL RECESSIVE; DOCK8 Deficiency; HYPER-IgE SYNDROME 2, AUTOSOMAL RECESSIVE, WITH RECURRENT INFECTIONS; Hyper-IgE recurrent infection syndrome, autosomal recessive; HIES autosomal recessive. Identifiers: Orphanet 217390, MedGen C4722305, MONDO:0009478, OMIM 243700.
DOCK8-related disorder. Also called: DOCK8-related condition.

Allele frequency attached by ClinVar (database versions not stated): gnomAD exomes below 0.00001; TOPMed 0.00001.
gnomAD v4.1: 2 of 1,614,204 alleles (0.00012%); highest among the groups gnomAD compares: African/African-American, 0.0013%; no homozygotes.

Submissions (2):

PreventionGenetics, part of Exact Sciences
Classification: Uncertain significance for DOCK8-related condition. Last evaluated: 2026-07-07. Review status: criteria provided, single submitter. Criteria: ACMG Guidelines, 2015. Collection method: clinical testing. Allele origin: germline.
Comment: The DOCK8 c.4573C>G variant is predicted to result in the amino acid substitution p.Gln1525Glu. To our knowledge, this variant has not been reported in the literature or in a large population database (gnomAD), indicating this variant is rare. At this time, the clinical significance of this variant is uncertain due to the absence of conclusive functional and genetic evidence.

Labcorp Genetics (formerly Invitae), Labcorp
Classification: Uncertain significance for Combined immunodeficiency due to DOCK8 deficiency. Last evaluated: 2022-04-06. Review status: criteria provided, single submitter. Criteria: Invitae Variant Classification Sherloc (09022015). Collection method: clinical testing. Allele origin: germline.
Comment: This sequence change replaces glutamine, which is neutral and polar, with glutamic acid, which is acidic and polar, at codon 1525 of the DOCK8 protein (p.Gln1525Glu). This variant is not present in population databases (gnomAD no frequency). This variant has not been reported in the literature in individuals affected with DOCK8-related conditions. Algorithms developed to predict the effect of missense changes on protein structure and function are either unavailable or do not agree on the potential impact of this missense change (SIFT: "Tolerated"; PolyPhen-2: "Probably Damaging"; Align-GVGD: "Class C0"). In summary, the available evidence is currently insufficient to determine the role of this variant in disease. Therefore, it has been classified as a Variant of Uncertain Significance.

NM_203447.4(DOCK8):c.4573C>G (p.Gln1525Glu)

Gene: DOCK8 (dedicator of cytokinesis 8; plus strand). Cytogenetic location: 9p24.3.
Variant type: single nucleotide variant.
Coding change: c.4573C>G on transcript NM_203447.4 (MANE Select); coding-DNA position 4573, C replaced by G.
Protein change: p.Gln1525Glu; replaces glutamine 1525 with glutamic acid.
Molecular consequence: missense variant.
Genome position (GRCh38, 1-based): chr9:429,801, C>G. VCF-style: chr9-429801-C-G. GRCh37 (hg19) VCF-style: chr9-429801-C-G.
Other names: c.4273C>G, p.Gln1425Glu (NM_001190458.2); c.4369C>G, p.Gln1457Glu (NM_001193536.2); c.4573C>G (NM_203447.3); short protein forms Q1525E, Q1425E, Q1457E.
Identifiers: ClinVar variation 1396194 (VCV001396194.6), dbSNP rs2056642801, ClinGen allele CA372766443.